The following is an entry in ClinVar:

ClinVar aggregate classification (germline): Uncertain significance (1 of 4 stars; one submission).

Conditions:
Inborn genetic diseases. Identifiers: MedGen C0950123, MeSH D030342.

Submission:

Ambry Genetics
Classification: Uncertain significance for Inborn genetic diseases. Last evaluated: 2024-06-12. Review status: criteria provided, single submitter. Criteria: Ambry Variant Classification Scheme 2023. Collection method: clinical testing. Allele origin: germline.
Comment: The c.1961C>T (p.S654L) alteration is located in exon 17 (coding exon 17) of the DIP2C gene. This alteration results from a C to T substitution at nucleotide position 1961, causing the serine (S) at amino acid position 654 to be replaced by a leucine (L). This variant was not reported in population-based cohorts in the Genome Aggregation Database (gnomAD). This amino acid position is highly conserved in available vertebrate species. The in silico prediction for this alteration is inconclusive. Based on insufficient or conflicting evidence, the clinical significance of this alteration remains unclear.

NM_014974.3(DIP2C):c.1961C>T (p.Ser654Leu)

Gene: DIP2C (disco interacting protein 2 homolog C; minus strand). Cytogenetic location: 10p15.3.
Variant type: single nucleotide variant.
Coding change: c.1961C>T on transcript NM_014974.3 (MANE Select); coding-DNA position 1961, C replaced by T.
Protein change: p.Ser654Leu; replaces serine 654 with leucine.
Molecular consequence: missense variant.
Genome position (GRCh38, 1-based): chr10:382,677, G>A on the plus strand (C>T on the coding strand, the complement: DIP2C is on the minus strand). VCF-style: chr10-382677-G-A. GRCh37 (hg19) VCF-style: chr10-428617-G-A.
Other names: short protein forms S654L.
Identifiers: ClinVar variation 3272107 (VCV003272107.1).
Genomic context (GRCh38, chr10:382,677, plus strand): 5'-TTATCTACGTAAATCAACATGACCCAGTACCTCCGGATGGCCACAGTGAGGGCCTCTGGC[G>A]AGCTGGCACAAGGACAGATGACCTCCTGTCGAAGGCCTTTACTTTGGAAGACATTGAGAA-3'
Protein context (NP_055789.1, residues 644-664): RQEVICPCAS[Ser654Leu]PEALTVAIRR